The following is an entry in ClinVar:

NM_001369.3(DNAH5):c.13570G>A (p.Asp4524Asn)

Gene: DNAH5 (dynein axonemal heavy chain 5; minus strand). Cytogenetic location: 5p15.2.
Variant type: single nucleotide variant.
Coding change: c.13570G>A on transcript NM_001369.3 (MANE Select); coding-DNA position 13570, G replaced by A.
Protein change: p.Asp4524Asn; replaces aspartic acid 4524 with asparagine.
Molecular consequence: missense variant.
Genome position (GRCh38, 1-based): chr5:13,700,793, C>T on the plus strand (G>A on the coding strand, the complement: DNAH5 is on the minus strand). VCF-style: chr5-13700793-C-T. GRCh37 (hg19) VCF-style: chr5-13700902-C-T.
Other names: short protein forms D4524N.
Identifiers: ClinVar variation 2586224 (VCV002586224.3), dbSNP rs199916139, ClinGen allele CA3201309.

ClinVar aggregate classification (germline): Uncertain significance. Review status: criteria provided, multiple submitters, no conflicts (2 of 4 stars). 2 submissions from 2 submitters: Uncertain significance (2). Last evaluated 2023-08-25.

Conditions:
Primary ciliary dyskinesia. Also called: Ciliary dyskinesia. Identifiers: Orphanet 244, MedGen C0008780, MONDO:0016575, HP:0012265.

Allele frequency attached by ClinVar (database versions not stated): gnomAD exomes below 0.00001; TOPMed below 0.00001; ExAC 0.00001; gnomAD 0.00001; 1000 Genomes Project 30x 0.00016; 1000 Genomes Project 0.00020.
gnomAD v4.1: 5 of 1,614,122 alleles (0.00031%); highest among the groups gnomAD compares: East Asian, 0.0022%; no homozygotes.

Submissions (2):

Ambry Genetics
Classification: Uncertain significance for Primary ciliary dyskinesia. Last evaluated: 2023-08-25. Review status: criteria provided, single submitter. Criteria: Ambry Variant Classification Scheme 2023. Collection method: clinical testing. Allele origin: germline.
Comment: The p.D4524N variant (also known as c.13570G>A), located in coding exon 78 of the DNAH5 gene, results from a G to A substitution at nucleotide position 13570. The aspartic acid at codon 4524 is replaced by asparagine, an amino acid with highly similar properties. This amino acid position is conserved. In addition, this alteration is predicted to be tolerated by in silico analysis. Since supporting evidence is limited at this time, the clinical significance of this alteration remains unclear.

Blueprint Genetics
Classification: Uncertain significance. Last evaluated: 2022-09-02. Review status: criteria provided, single submitter. Criteria: ACMG Guidelines, 2015. Collection method: clinical testing. Allele origin: germline.